The following is an entry in ClinVar:

ClinVar aggregate classification (germline): Uncertain significance (1 of 4 stars; one submission).

Conditions:
KMT2C-related disorder. Also called: KMT2C-related condition; KMT2C-related disorders.

Submission:

PreventionGenetics, part of Exact Sciences
Classification: Uncertain significance for KMT2C-related condition. Last evaluated: 2025-03-05. Review status: criteria provided, single submitter. Criteria: ACMG Guidelines, 2015. Collection method: clinical testing. Allele origin: germline.
Comment: The KMT2C c.5588C>T variant is predicted to result in the amino acid substitution p.Pro1863Leu. To our knowledge, this variant has not been reported in the literature or in a large population database (gnomAD), indicating this variant is rare. At this time, the clinical significance of this variant is uncertain due to the absence of conclusive functional and genetic evidence.

NM_170606.3(KMT2C):c.5588C>T (p.Pro1863Leu)

Gene: KMT2C (lysine methyltransferase 2C; minus strand). Cytogenetic location: 7q36.1.
Variant type: single nucleotide variant.
Coding change: c.5588C>T on transcript NM_170606.3 (MANE Select); coding-DNA position 5588, C replaced by T.
Protein change: p.Pro1863Leu; replaces proline 1863 with leucine.
Molecular consequence: missense variant.
Genome position (GRCh38, 1-based): chr7:152,182,272, G>A on the plus strand (C>T on the coding strand, the complement: KMT2C is on the minus strand). VCF-style: chr7-152182272-G-A. GRCh37 (hg19) VCF-style: chr7-151879357-G-A.
Other names: short protein forms P1863L.
Identifiers: ClinVar variation 5002028 (VCV005002028.1).
Genomic context (GRCh38, chr7:152,182,272, plus strand): 5'-GAAAACACTTGCGGTGAGGGTGGCTGAGAAGTCTGAGCCTGAGAAAGACTATCCTGGATG[G>A]GAATCCGGGATGGGGCTGGAGGAGGAGGTGGAGCTTGTGGCTTTACAAACACATCATCTG-3'
Protein context (NP_733751.2, residues 1853-1873): PPPPPAPSRI[Pro1863Leu]IQDSLSQAQT